The following is an entry in ClinVar:

NM_006231.4(POLE):c.2191T>G (p.Tyr731Asp)

Gene: POLE (DNA polymerase epsilon, catalytic subunit; minus strand). Cytogenetic location: 12q24.33.
Variant type: single nucleotide variant.
Coding change: c.2191T>G on transcript NM_006231.4 (MANE Select); coding-DNA position 2191, T replaced by G.
Protein change: p.Tyr731Asp; replaces tyrosine 731 with aspartic acid.
Molecular consequence: missense variant.
Genome position (GRCh38, 1-based): chr12:132,667,631, A>C on the plus strand (T>G on the coding strand, the complement: POLE is on the minus strand). VCF-style: chr12-132667631-A-C. GRCh37 (hg19) VCF-style: chr12-133244217-A-C.
Other names: short protein forms Y731D.
Identifiers: ClinVar variation 3781539 (VCV003781539.1).

ClinVar aggregate classification (germline): Uncertain significance (1 of 4 stars; one submission).

Conditions:
Hereditary cancer-predisposing syndrome. Also called: Neoplastic Syndromes, Hereditary; Hereditary Cancer Syndrome; Tumor predisposition; Hereditary neoplastic syndrome. Identifiers: Orphanet 140162, MedGen C0027672, MeSH D009386, MONDO:0015356.

Submission:

Ambry Genetics
Classification: Uncertain significance for Hereditary cancer-predisposing syndrome. Last evaluated: 2024-12-29. Review status: criteria provided, single submitter. Criteria: Ambry Variant Classification Scheme 2023. Collection method: clinical testing. Allele origin: germline.
Comment: The p.Y731D variant (also known as c.2191T>G), located in coding exon 20 of the POLE gene, results from a T to G substitution at nucleotide position 2191. The tyrosine at codon 731 is replaced by aspartic acid, an amino acid with highly dissimilar properties. This amino acid position is conserved. In addition, this alteration is predicted to be deleterious by in silico analysis. Based on the available evidence, the clinical significance of this variant remains unclear.